The following is an entry in ClinVar:

ClinVar aggregate classification (germline): Likely pathogenic (1 of 4 stars; one submission).

Conditions:
Cystic renal disease.

Submission:

Genetics Laboratory, Great Ormond Street Hospital NHS Foundation Trust, North Thames Genomic Laboratory Hub
Classification: Likely pathogenic for Cystic renal disease. Last evaluated: 2026-02-23. Review status: criteria provided, single submitter. Criteria: ACGS Best Practice Guidelines for Variant Classification in Rare Disease 2024 v1.2. Collection method: clinical testing. Allele origin: germline. Affected: yes.
Comment: PM2_moderate, PP3_supporting, PM5_moderate, PP4_supporting

NM_001009944.3(PKD1):c.1523G>C (p.Cys508Ser)

Gene: PKD1 (polycystin 1, transient receptor potential channel interacting; minus strand). Cytogenetic location: 16p13.3.
Variant type: single nucleotide variant.
Coding change: c.1523G>C on transcript NM_001009944.3 (MANE Select); coding-DNA position 1523, G replaced by C.
Protein change: p.Cys508Ser; replaces cysteine 508 with serine.
Molecular consequence: missense variant.
Genome position (GRCh38, 1-based): chr16:2,116,916, C>G on the plus strand (G>C on the coding strand, the complement: PKD1 is on the minus strand). VCF-style: chr16-2116916-C-G. GRCh37 (hg19) VCF-style: chr16-2166917-C-G.
Other names: c.1523G>C, p.Cys508Ser (NM_000296.4); short protein forms C508S.
Identifiers: ClinVar variation 4845220 (VCV004845220.1).